The following is an entry in ClinVar:

NM_020928.2(ZSWIM6):c.3022A>G (p.Ile1008Val)

Gene: ZSWIM6 (zinc finger SWIM-type containing 6; plus strand). Cytogenetic location: 5q12.1.
Variant type: single nucleotide variant.
Coding change: c.3022A>G on transcript NM_020928.2 (MANE Select); coding-DNA position 3022, A replaced by G.
Protein change: p.Ile1008Val; replaces isoleucine 1008 with valine.
Molecular consequence: missense variant.
Genome position (GRCh38, 1-based): chr5:61,543,691, A>G. VCF-style: chr5-61543691-A-G. GRCh37 (hg19) VCF-style: chr5-60839518-A-G.
Other names: short protein forms I1008V.
Identifiers: ClinVar variation 4698168 (VCV004698168.1).

ClinVar aggregate classification (germline): Uncertain significance (1 of 4 stars; one submission).

gnomAD v4.1: 10 of 1,551,564 alleles (0.00064%); highest among the groups gnomAD compares: African/African-American, 0.0014%; no homozygotes.

Submission:

Labcorp Genetics (formerly Invitae), Labcorp
Classification: Uncertain significance. Last evaluated: 2025-03-13. Review status: criteria provided, single submitter. Criteria: Invitae Variant Classification Sherloc (09022015). Collection method: clinical testing. Allele origin: germline.
Comment: This sequence change replaces isoleucine, which is neutral and non-polar, with valine, which is neutral and non-polar, at codon 1008 of the ZSWIM6 protein (p.Ile1008Val). This variant is not present in population databases (gnomAD no frequency). This variant has not been reported in the literature in individuals affected with ZSWIM6-related conditions. Invitae Evidence Modeling of protein sequence and biophysical properties (such as structural, functional, and spatial information, amino acid conservation, physicochemical variation, residue mobility, and thermodynamic stability) indicates that this missense variant is not expected to disrupt ZSWIM6 protein function with a negative predictive value of 80%. In summary, the available evidence is currently insufficient to determine the role of this variant in disease. Therefore, it has been classified as a Variant of Uncertain Significance.